The following is an entry in ClinVar:

NM_003906.5(MCM3AP):c.1049A>T (p.Lys350Met)

Gene: MCM3AP (minichromosome maintenance complex component 3 associated protein; minus strand). Cytogenetic location: 21q22.3.
Variant type: single nucleotide variant.
Coding change: c.1049A>T on transcript NM_003906.5 (MANE Select); coding-DNA position 1049, A replaced by T.
Protein change: p.Lys350Met; replaces lysine 350 with methionine.
Molecular consequence: missense variant.
Genome position (GRCh38, 1-based): chr21:46,284,238, T>A on the plus strand (A>T on the coding strand, the complement: MCM3AP is on the minus strand). VCF-style: chr21-46284238-T-A. GRCh37 (hg19) VCF-style: chr21-47704152-T-A.
Other names: p.Lys350Met; c.1049A>T (NM_003906.3); short protein forms K350M.
Identifiers: ClinVar variation 1418420 (VCV001418420.7), dbSNP rs147565274, ClinGen allele CA10077207.

ClinVar aggregate classification (germline): Uncertain significance. Review status: criteria provided, multiple submitters, no conflicts (2 of 4 stars). 3 submissions from 3 submitters: Uncertain significance (3). Last evaluated 2024-12-16.

Conditions:
Inborn genetic diseases. Identifiers: MedGen C0950123, MeSH D030342.

Allele frequency attached by ClinVar (database versions not stated): gnomAD 0.00010 and 0.00011; gnomAD exomes 0.00010 and 0.00014; TOPMed 0.00011; ExAC 0.00012; ESP Exome Variant Server 0.00015; 1000 Genomes Project 30x 0.00016; 1000 Genomes Project 0.00020.
gnomAD v4.1: 157 of 1,614,210 alleles (0.0097%); highest among the groups gnomAD compares: Middle Eastern, 0.016%; no homozygotes.

Submissions (3):

Labcorp Genetics (formerly Invitae), Labcorp
Classification: Uncertain significance. Last evaluated: 2024-12-16. Review status: criteria provided, single submitter. Criteria: Invitae Variant Classification Sherloc (09022015). Collection method: clinical testing. Allele origin: germline.
Comment: This sequence change replaces lysine, which is basic and polar, with methionine, which is neutral and non-polar, at codon 350 of the MCM3AP protein (p.Lys350Met). This variant is present in population databases (rs147565274, gnomAD 0.03%). This variant has not been reported in the literature in individuals affected with MCM3AP-related conditions. ClinVar contains an entry for this variant (Variation ID: 1418420). An algorithm developed to predict the effect of missense changes on protein structure and function (PolyPhen-2) suggests that this variant is likely to be disruptive. In summary, the available evidence is currently insufficient to determine the role of this variant in disease. Therefore, it has been classified as a Variant of Uncertain Significance.

Mayo Clinic Laboratories, Mayo Clinic
Classification: Uncertain significance. Last evaluated: 2023-06-05. Review status: criteria provided, single submitter. Criteria: ACMG Guidelines, 2015. Collection method: clinical testing. Allele origin: germline. Observed: 1 variant allele.
Comment: BP4

Ambry Genetics
Classification: Uncertain significance for Inborn genetic diseases. Last evaluated: 2023-02-16. Review status: criteria provided, single submitter. Criteria: Ambry Variant Classification Scheme 2023. Collection method: clinical testing. Allele origin: germline.